The following is an entry in ClinVar:

ClinVar aggregate classification (germline): Pathogenic (0 of 4 stars; one submission).

Conditions:
Autosomal recessive nonsyndromic hearing loss 4 (DFNB4). Also called: Deafness, autosomal recessive 4, with enlarged vestibular aqueduct; FOXI1-Related Pendred Syndrome; KCNJ10-Related Pendred Syndrome; DEAFNESS, AUTOSOMAL RECESSIVE 4, WITH ENLARGED VESTIBULAR AQUEDUCT, DIGENIC; Deafness, autosomal recessive 4; NEUROSENSORY NONSYNDROMIC RECESSIVE DEAFNESS 4. Identifiers: Orphanet 90636, MedGen C3538946, MONDO:0010933, OMIM 600791.

Submission:

Precision Medicine Center, Zhengzhou University
Classification: Pathogenic for Autosomal recessive nonsyndromic hearing loss 4. Review status: no assertion criteria provided. Collection method: research. Allele origin: germline. Affected: yes.
Comment: PVS1: Null variant in the gene with established LOF as a disease mechanism PP1: Segregation in one affected relative PM2: not found in gnomAD PM3_Strong: Pathogenic mutation phase known in two patients PP4: Patient's phenotype highly specific for gene

NM_000441.2(SLC26A4):c.1299dup (p.Ala434fs)

Gene: SLC26A4 (solute carrier family 26 member 4; plus strand). Cytogenetic location: 7q22.3.
Variant type: Duplication.
Coding change: c.1299dup on transcript NM_000441.2 (MANE Select); coding-DNA position 1299, one base duplicated (C; older notation c.1299dupC).
Protein change: p.Ala434fs; shifts the reading frame from alanine 434.
Molecular consequence: frameshift variant.
Genome position (GRCh38, 1-based): chr7:107,694,438, C duplicated. VCF-style (leftmost placement, unchanged base first): chr7-107694437-T-TC. GRCh37 (hg19) VCF-style: chr7-107334882-T-TC.
Other names: short protein forms A434fs.
Identifiers: ClinVar variation 1065213 (VCV001065213.1), dbSNP rs2129316898, ClinGen allele CA2499218635.